The following is an entry in ClinVar:

NM_001148.6(ANK2):c.7283C>T (p.Ser2428Leu)

Genes: ANK2 (ankyrin 2; plus strand), LOC126807137 (CDK7 strongly-dependent group 2 enhancer GRCh37_chr4:114276560-114277759; plus strand). Cytogenetic location: 4q26.
Variant type: single nucleotide variant.
Coding change: c.7283C>T on transcript NM_001148.6 (MANE Select); coding-DNA position 7283, C replaced by T.
Protein change: p.Ser2428Leu; replaces serine 2428 with leucine.
Molecular consequence: missense variant. On other transcripts: intron variant (68).
Genome position (GRCh38, 1-based): chr4:113,355,901, C>T. VCF-style: chr4-113355901-C-T. GRCh37 (hg19) VCF-style: chr4-114277057-C-T.
Other names: c.7049C>T, p.Ser2350Leu (NM_001386142.1); c.3683C>T, p.Ser1228Leu (NM_001386166.1); c.7424C>T, p.Ser2475Leu (NM_001386174.1); c.7400C>T, p.Ser2467Leu (NM_001386175.1); c.4412-4922C>T (NM_001386186.2, NM_001386148.2); c.4214-4922C>T (NM_001354269.3); c.4292-4922C>T (NM_001386187.2); c.4253-4922C>T (NM_001386147.1); and 35 more; short protein forms S2428L, S1228L, S2350L, S2467L, S2475L.
Identifiers: ClinVar variation 835449 (VCV000835449.9), dbSNP rs772544901, ClinGen allele CA3051570.

ClinVar aggregate classification (germline): Uncertain significance. Review status: criteria provided, multiple submitters, no conflicts (2 of 4 stars). 3 submissions from 3 submitters: Uncertain significance (3). Last evaluated 2025-05-03.

Conditions:
Cardiac arrhythmia, ankyrin-B-related. Also called: ANKYRIN-B SYNDROME. Identifiers: Orphanet 101016, Orphanet 768, MedGen C1970119, MONDO:0010958, OMIM 600919.
Cardiovascular phenotype. Identifiers: MedGen CN230736.
Long QT syndrome (LQTS). Identifiers: MedGen C0023976, MeSH D008133, MONDO:0002442. Disease mechanism: loss of function. Inheritance: Various modes of inheritance.

Allele frequency attached by ClinVar (database versions not stated): gnomAD exomes below 0.00001 and 0.00001; ExAC 0.00002; gnomAD 0.00002; TOPMed 0.00002.
gnomAD v4.1: 6 of 1,613,986 alleles (0.00037%); highest among the groups gnomAD compares: Admixed American, 0.0017%; no homozygotes.

Submissions (3):

Ambry Genetics
Classification: Uncertain significance for Cardiovascular phenotype. Last evaluated: 2025-05-03. Review status: criteria provided, single submitter. Criteria: Ambry Variant Classification Scheme 2023. Collection method: clinical testing. Allele origin: germline.
Comment: The p.S2428L variant (also known as c.7283C>T), located in coding exon 38 of the ANK2 gene, results from a C to T substitution at nucleotide position 7283. The serine at codon 2428 is replaced by leucine, an amino acid with dissimilar properties. This amino acid position is conserved. In addition, the in silico prediction for this alteration is inconclusive. Since supporting evidence is limited at this time, the clinical significance of this alteration remains unclear.

Labcorp Genetics (formerly Invitae), Labcorp
Classification: Uncertain significance for Long QT syndrome. Last evaluated: 2023-07-25. Review status: criteria provided, single submitter. Criteria: Invitae Variant Classification Sherloc (09022015). Collection method: clinical testing. Allele origin: germline.
Comment: This variant has not been reported in the literature in individuals affected with ANK2-related conditions. ClinVar contains an entry for this variant (Variation ID: 835449). This sequence change replaces serine, which is neutral and polar, with leucine, which is neutral and non-polar, at codon 2428 of the ANK2 protein (p.Ser2428Leu). This variant is present in population databases (rs772544901, gnomAD 0.0009%). An algorithm developed to predict the effect of missense changes on protein structure and function (PolyPhen-2) suggests that this variant is likely to be disruptive. In summary, the available evidence is currently insufficient to determine the role of this variant in disease. Therefore, it has been classified as a Variant of Uncertain Significance.

MGZ Medical Genetics Center
Classification: Uncertain significance for Cardiac arrhythmia, ankyrin-B-related. Last evaluated: 2022-05-31. Review status: criteria provided, single submitter. Criteria: ACMG Guidelines, 2015. Collection method: clinical testing. Allele origin: germline. Affected: yes. Observed: 1 variant allele.
Comment: ACMG criteria applied: PM2_SUP